The following is an entry in ClinVar:

ClinVar aggregate classification (germline): Conflicting classifications of pathogenicity. Review status: criteria provided, conflicting classifications (1 of 4 stars). 2 submissions from 2 submitters: Uncertain significance (1); Likely benign (1). Last evaluated 2025-08-22.

Allele frequency attached by ClinVar (database versions not stated): gnomAD 0.00001; gnomAD exomes 0.00003; TOPMed 0.00003; ExAC 0.00010; ESP Exome Variant Server 0.00031.

Submissions (2):

Ambry Genetics
Classification: Uncertain significance. Last evaluated: 2025-08-22. Review status: criteria provided, single submitter. Criteria: Ambry Variant Classification Scheme 2023. Collection method: clinical testing. Allele origin: germline.

CeGaT Center for Human Genetics Tuebingen
Classification: Likely benign. Last evaluated: 2023-09-01. Review status: criteria provided, single submitter. Criteria: CeGaT Center For Human Genetics Tuebingen Variant Classification Criteria Version 2. Collection method: clinical testing. Allele origin: germline. Affected: yes. Observed: 1 variant allele.
Comment: NGRN: BP4

NM_001033088.3(NGRN):c.460C>T (p.Arg154Trp)

Gene: NGRN (neugrin, neurite outgrowth associated; plus strand). Cytogenetic location: 15q26.1.
Variant type: single nucleotide variant.
Coding change: c.460C>T on transcript NM_001033088.3 (MANE Select); coding-DNA position 460, C replaced by T.
Protein change: p.Arg154Trp; replaces arginine 154 with tryptophan.
Molecular consequence: missense variant. On other transcripts: non-coding transcript variant (1).
Genome position (GRCh38, 1-based): chr15:90,271,372, C>T. VCF-style: chr15-90271372-C-T. GRCh37 (hg19) VCF-style: chr15-90814604-C-T.
Other names: c.460C>T (NM_001033088.1); short protein forms R154W.
Identifiers: ClinVar variation 2645705 (VCV002645705.25), dbSNP rs201227519, ClinGen allele CA7735313.